The following is an entry in ClinVar:

NM_005902.4(SMAD3):c.210C>T (p.Ser70=)

Gene: SMAD3 (SMAD family member 3; plus strand). Cytogenetic location: 15q22.33.
Variant type: single nucleotide variant.
Coding change: c.210C>T on transcript NM_005902.4 (MANE Select); coding-DNA position 210, C replaced by T.
Protein change: p.Ser70=; no amino-acid change (serine 70 retained).
Molecular consequence: synonymous variant. On other transcripts: 5 prime UTR variant (1).
Genome position (GRCh38, 1-based): chr15:67,164,898, C>T. VCF-style: chr15-67164898-C-T. GRCh37 (hg19) VCF-style: chr15-67457236-C-T.
Other names: c.-106C>T (NM_001145102.2); c.78C>T, p.Ser26= (NM_001145103.2).
Identifiers: ClinVar variation 919768 (VCV000919768.7), dbSNP rs1224939970, ClinGen allele CA392953432.

ClinVar aggregate classification (germline): Likely benign. Review status: criteria provided, multiple submitters, no conflicts (2 of 4 stars). 4 submissions from 4 submitters: Likely benign (4). Last evaluated 2024-05-17.

Conditions:
Aneurysm-osteoarthritis syndrome. Also called: LOEYS-DIETZ SYNDROME WITH OSTEOARTHRITIS; SMAD3-Related Loeys-Dietz Syndrome; Loeys-Dietz syndrome, type 1C; ANEURYSMS-OSTEOARTHRITIS SYNDROME. Identifiers: Orphanet 284984, MedGen C3151087, MONDO:0013426, OMIM 613795.
Familial thoracic aortic aneurysm and aortic dissection (TAAD). Also called: Thoracic aortic aneurysms and dissections. Identifiers: Orphanet 91387, MedGen C4707243, MONDO:0019625.

Allele frequency attached by ClinVar (database versions not stated): gnomAD 0.00002; TOPMed 0.00002.
gnomAD v4.1: 30 of 1,612,810 alleles (0.0019%); highest among the groups gnomAD compares: Non-Finnish European, 0.0025%; no homozygotes.

Submissions (4):

All of Us Research Program, National Institutes of Health
Classification: Likely benign for Aneurysm-osteoarthritis syndrome. Last evaluated: 2024-05-17. Review status: criteria provided, single submitter. Criteria: ACMG Guidelines, 2015. Collection method: clinical testing. Allele origin: germline. Inheritance: Autosomal dominant inheritance. Observed: 1 variant allele, 1 heterozygote.
Comment: This study involves interpretation of variants in research participants for the purpose of population health screening. Participant phenotype was not available at the time of variant classification. Additional details can be found in publication PMID: 35346344, PMCID: PMC8962531

Ambry Genetics
Classification: Likely benign for Familial thoracic aortic aneurysm and aortic dissection. Last evaluated: 2023-11-26. Review status: criteria provided, single submitter. Criteria: Ambry Variant Classification Scheme 2023. Collection method: clinical testing. Allele origin: germline.

GeneDx
Classification: Likely benign. Last evaluated: 2019-06-10. Review status: criteria provided, single submitter. Criteria: GeneDx Variant Classification Process June 2021. Collection method: clinical testing. Allele origin: germline. Affected: yes.

Color Diagnostics, LLC DBA Color Health
Classification: Likely benign for Familial thoracic aortic aneurysm and aortic dissection. Last evaluated: 2019-02-25. Review status: criteria provided, single submitter. Criteria: ACMG Guidelines, 2015. Collection method: clinical testing. Allele origin: germline.